The following is an entry in ClinVar:

NM_030770.4(TMPRSS5):c.1190G>A (p.Arg397Lys)

Genes: TMPRSS5 (transmembrane serine protease 5; minus strand), LOC126861343 (MED14-independent group 3 enhancer GRCh37_chr11:113560791-113561990; plus strand). Cytogenetic location: 11q23.2.
Variant type: single nucleotide variant.
Coding change: c.1190G>A on transcript NM_030770.4 (MANE Select); coding-DNA position 1190, G replaced by A.
Protein change: p.Arg397Lys; replaces arginine 397 with lysine.
Molecular consequence: missense variant. On other transcripts: non-coding transcript variant (2).
Genome position (GRCh38, 1-based): chr11:113,690,247, C>T on the plus strand (G>A on the coding strand, the complement: TMPRSS5 is on the minus strand). VCF-style: chr11-113690247-C-T. GRCh37 (hg19) VCF-style: chr11-113560969-C-T.
Other names: c.851G>A, p.Arg284Lys (NM_001288749.2); c.1058G>A, p.Arg353Lys (NM_001288750.2); c.1163G>A, p.Arg388Lys (NM_001288751.2); c.983G>A, p.Arg328Lys (NM_001288752.2); c.1190G>A (NM_030770.2); short protein forms R397K, R284K, R353K, R328K, R388K.
Identifiers: ClinVar variation 513900 (VCV000513900.5), dbSNP rs200404888, ClinGen allele CA6281595.

ClinVar aggregate classification (germline): Conflicting classifications of pathogenicity. Review status: criteria provided, conflicting classifications (1 of 4 stars). 3 submissions from 3 submitters: Uncertain significance (1); Likely benign (2). Last evaluated 2021-06-11.

Allele frequency attached by ClinVar (database versions not stated): gnomAD exomes 0.00019 and 0.00041; 1000 Genomes Project 0.00020; 1000 Genomes Project 30x 0.00031; ExAC 0.00053; ESP Exome Variant Server 0.00073; gnomAD 0.00110 and 0.00123; TOPMed 0.00137.

Submissions (3):

Ambry Genetics
Classification: Uncertain significance. Last evaluated: 2021-06-11. Review status: criteria provided, single submitter. Criteria: Ambry Variant Classification Scheme 2023. Collection method: clinical testing. Allele origin: germline.

GeneDx
Classification: Likely benign. Last evaluated: 2018-01-17. Review status: criteria provided, single submitter. Criteria: GeneDx Variant Classification (06012015). Collection method: clinical testing. Allele origin: germline. Affected: yes.
Comment: This variant is considered likely benign or benign based on one or more of the following criteria: it is a conservative change, it occurs at a poorly conserved position in the protein, it is predicted to be benign by multiple in silico algorithms, and/or has population frequency not consistent with disease.

Breakthrough Genomics
Classification: Likely benign. Review status: criteria provided, single submitter. Criteria: ACMG Guidelines, 2015. Collection method: not provided. Allele origin: germline. Inheritance: Unknown mechanism. Affected: yes.